The following is an entry in ClinVar:

NM_003640.5(ELP1):c.2631C>T (p.Ala877=)

Gene: ELP1 (elongator acetyltransferase complex subunit 1; minus strand). Cytogenetic location: 9q31.3.
Variant type: single nucleotide variant.
Coding change: c.2631C>T on transcript NM_003640.5 (MANE Select); coding-DNA position 2631, C replaced by T.
Protein change: p.Ala877=; no amino-acid change (alanine 877 retained).
Molecular consequence: synonymous variant.
Genome position (GRCh38, 1-based): chr9:108,896,601, G>A on the plus strand (C>T on the coding strand, the complement: ELP1 is on the minus strand). VCF-style: chr9-108896601-G-A. GRCh37 (hg19) VCF-style: chr9-111658881-G-A.
Other names: c.2289C>T, p.Ala763= (NM_001318360.2); c.1584C>T, p.Ala528= (NM_001330749.2); c.2631C>T (NM_003640.4, LRG_251t1).
Identifiers: ClinVar variation 381818 (VCV000381818.23), dbSNP rs138023874, ClinGen allele CA5174568.

ClinVar aggregate classification (germline): Benign/Likely benign. Review status: criteria provided, multiple submitters, no conflicts (2 of 4 stars). 8 submissions from 8 submitters: Benign (4); Likely benign (2). 2 of the submissions do not count toward it. Last evaluated 2026-02-04.

Conditions:
Familial dysautonomia. Also called: FD; HSAN III. Identifiers: Orphanet 1764, MedGen C0013364, MONDO:0009131, OMIM 223900. Disease mechanism: loss of function.
ELP1-related disorder. Also called: ELP1-related condition.

Allele frequency attached by ClinVar (database versions not stated): gnomAD exomes 0.00069 and 0.00198; ExAC 0.00244; gnomAD 0.00741 and 0.00791; ESP Exome Variant Server 0.00777; 1000 Genomes Project 0.00779; 1000 Genomes Project 30x 0.00812; TOPMed 0.00823.
gnomAD v4.1: 2,146 of 1,613,776 alleles (0.13%); highest among the groups gnomAD compares: African/African-American, 2.6%; 30 homozygotes.

Submissions (8):

Labcorp Genetics (formerly Invitae), Labcorp
Classification: Benign. Last evaluated: 2026-02-04. Review status: criteria provided, single submitter. Criteria: Invitae Variant Classification Sherloc (09022015). Collection method: clinical testing. Allele origin: germline.

Blueprint Genetics
Classification: Likely benign. Last evaluated: 2024-11-27. Review status: criteria provided, single submitter. Criteria: ACMG Guidelines, 2015. Collection method: clinical testing. Allele origin: germline.

Women's Health and Genetics/Laboratory Corporation of America, LabCorp
Classification: Benign. Last evaluated: 2022-09-29. Review status: criteria provided, single submitter. Criteria: LabCorp Variant Classification Summary - May 2015. Collection method: clinical testing. Allele origin: germline.

Ambry Genetics
Classification: Likely benign. Last evaluated: 2022-05-11. Review status: criteria provided, single submitter. Criteria: Ambry Variant Classification Scheme 2023. Collection method: clinical testing. Allele origin: germline.

GeneDx
Classification: Benign. Last evaluated: 2018-06-27. Review status: criteria provided, single submitter. Criteria: GeneDx Variant Classification Process June 2021. Collection method: clinical testing. Allele origin: germline. Affected: yes.

Breakthrough Genomics
Classification: Benign. Review status: criteria provided, single submitter. Criteria: ACMG Guidelines, 2015. Collection method: not provided. Allele origin: germline. Inheritance: Autosomal recessive inheritance. Affected: yes.

PreventionGenetics, part of Exact Sciences
Classification: Benign for ELP1-related condition. Last evaluated: 2019-04-01. Review status: no assertion criteria provided. Collection method: clinical testing. Allele origin: germline. Not counted in ClinVar's aggregate classification.
Comment: This variant is classified as benign based on ACMG/AMP sequence variant interpretation guidelines (Richards et al. 2015 PMID: 25741868, with internal and published modifications).

Natera, Inc.
Classification: Likely benign for Familial dysautonomia. Last evaluated: 2018-04-19. Review status: no assertion criteria provided. Collection method: clinical testing. Allele origin: germline. Not counted in ClinVar's aggregate classification.